The following is an entry in ClinVar:

NM_001182.5(ALDH7A1):c.1163C>G (p.Ala388Gly)

Gene: ALDH7A1 (aldehyde dehydrogenase 7 family member A1; minus strand). Cytogenetic location: 5q23.2.
Variant type: single nucleotide variant.
Coding change: c.1163C>G on transcript NM_001182.5 (MANE Select); coding-DNA position 1163, C replaced by G.
Protein change: p.Ala388Gly; replaces alanine 388 with glycine.
Molecular consequence: missense variant. On other transcripts: intron variant (1).
Genome position (GRCh38, 1-based): chr5:126,554,324, G>C on the plus strand (C>G on the coding strand, the complement: ALDH7A1 is on the minus strand). VCF-style: chr5-126554324-G-C. GRCh37 (hg19) VCF-style: chr5-125890016-G-C.
Other names: c.1079C>G, p.Ala360Gly (NM_001201377.2); c.1009-2187C>G (NM_001202404.2); short protein forms A388G, A360G.
Identifiers: ClinVar variation 565889 (VCV000565889.7), dbSNP rs1561651205, ClinGen allele CA360723812.

ClinVar aggregate classification (germline): Uncertain significance. Review status: criteria provided, multiple submitters, no conflicts (2 of 4 stars). 4 submissions from 4 submitters: Uncertain significance (4). Last evaluated 2023-04-11.

Conditions:
ALDH7A1-related disorder. Also called: ALDH7A1-related condition.
Inborn genetic diseases. Identifiers: MedGen C0950123, MeSH D030342.
Pyridoxine-dependent epilepsy (EPEO4). Also called: Pyridoxine-Dependent Epilepsy - ALDH7A1; EPILEPSY, EARLY-ONSET, 4, VITAMIN B6-DEPENDENT; PYRIDOXINE DEPENDENCY WITH SEIZURES; Pyridoxine-Dependent Seizures. Identifiers: Orphanet 3006, MedGen C1849508, MONDO:0009945, OMIM 266100. Disease mechanism: loss of function.

Allele frequency attached by ClinVar (database versions not stated): TOPMed below 0.00001.

Submissions (4):

Genome-Nilou Lab
Classification: Uncertain significance for Pyridoxine-dependent epilepsy. Last evaluated: 2023-04-11. Review status: criteria provided, single submitter. Criteria: ACMG Guidelines, 2015. Collection method: clinical testing. Allele origin: germline. Affected: no.

PreventionGenetics, part of Exact Sciences
Classification: Uncertain significance for ALDH7A1-related condition. Last evaluated: 2023-03-27. Review status: criteria provided, single submitter. Criteria: ACMG Guidelines, 2015. Collection method: clinical testing. Allele origin: germline.
Comment: The ALDH7A1 c.1163C>G variant is predicted to result in the amino acid substitution p.Ala388Gly. To our knowledge, this variant has not been reported in the literature or in a large population database, indicating this variant is rare. At this time, the clinical significance of this variant is uncertain due to the absence of conclusive functional and genetic evidence.

Labcorp Genetics (formerly Invitae), Labcorp
Classification: Uncertain significance for Pyridoxine-dependent epilepsy. Last evaluated: 2022-08-09. Review status: criteria provided, single submitter. Criteria: Invitae Variant Classification Sherloc (09022015). Collection method: clinical testing. Allele origin: germline.
Comment: This sequence change replaces alanine, which is neutral and non-polar, with glycine, which is neutral and non-polar, at codon 388 of the ALDH7A1 protein (p.Ala388Gly). This variant is not present in population databases (gnomAD no frequency). This variant has not been reported in the literature in individuals affected with ALDH7A1-related conditions. ClinVar contains an entry for this variant (Variation ID: 565889). Advanced modeling of protein sequence and biophysical properties (such as structural, functional, and spatial information, amino acid conservation, physicochemical variation, residue mobility, and thermodynamic stability) performed at Invitae indicates that this missense variant is expected to disrupt ALDH7A1 protein function. In summary, the available evidence is currently insufficient to determine the role of this variant in disease. Therefore, it has been classified as a Variant of Uncertain Significance.

Ambry Genetics
Classification: Uncertain significance for Inborn genetic diseases. Last evaluated: 2020-11-10. Review status: criteria provided, single submitter. Criteria: Ambry Variant Classification Scheme 2023. Collection method: clinical testing. Allele origin: germline.
Comment: The p.A388G variant (also known as c.1163C>G), located in coding exon 13 of the ALDH7A1 gene, results from a C to G substitution at nucleotide position 1163. The alanine at codon 388 is replaced by glycine, an amino acid with similar properties. This amino acid position is highly conserved in available vertebrate species. In addition, the in silico prediction for this alteration is inconclusive. Since supporting evidence is limited at this time, the clinical significance of this alteration remains unclear.